The following is an entry in ClinVar:

NM_002474.3(MYH11):c.380C>T (p.Pro127Leu)

Gene: MYH11 (myosin heavy chain 11; minus strand). Cytogenetic location: 16p13.11.
Variant type: single nucleotide variant.
Coding change: c.380C>T on transcript NM_002474.3 (MANE Select); coding-DNA position 380, C replaced by T.
Protein change: p.Pro127Leu; replaces proline 127 with leucine.
Molecular consequence: missense variant.
Genome position (GRCh38, 1-based): chr16:15,823,377, G>A on the plus strand (C>T on the coding strand, the complement: MYH11 is on the minus strand). VCF-style: chr16-15823377-G-A. GRCh37 (hg19) VCF-style: chr16-15917234-G-A.
Other names: c.380C>T, p.Pro127Leu (NM_001040113.2, NM_001040114.2, NM_022844.3); short protein forms P127L.
Identifiers: ClinVar variation 3222383 (VCV003222383.2), dbSNP rs1247447254, ClinGen allele CA394882724.

ClinVar aggregate classification (germline): Uncertain significance. Review status: criteria provided, multiple submitters, no conflicts (2 of 4 stars). 2 submissions from 2 submitters: Uncertain significance (2). Last evaluated 2025-05-20.

Conditions:
Familial thoracic aortic aneurysm and aortic dissection (TAAD). Also called: Thoracic aortic aneurysms and dissections. Identifiers: Orphanet 91387, MedGen C4707243, MONDO:0019625.

Allele frequency attached by ClinVar (database versions not stated): gnomAD exomes below 0.00001; TOPMed below 0.00001; gnomAD 0.00001.
gnomAD v4.1: 2 of 1,613,966 alleles (0.00012%); highest among the groups gnomAD compares: Non-Finnish European, 0.00017%; no homozygotes.

Submissions (2):

Color Diagnostics, LLC DBA Color Health
Classification: Uncertain significance for Familial thoracic aortic aneurysm and aortic dissection. Last evaluated: 2025-05-20. Review status: criteria provided, single submitter. Criteria: ACMG Guidelines, 2015. Collection method: clinical testing. Allele origin: germline.
Comment: This missense variant replaces proline with leucine at codon 127 of the MYH11 protein. Computational prediction suggests that this variant may have deleterious impact on protein structure and function. To our knowledge, functional studies have not been reported for this variant. This variant has not been reported in individuals affected with MYH11-related disorders in the literature. This variant has not been identified in the general population by the Genome Aggregation Database (gnomAD). The available evidence is insufficient to determine the role of this variant in disease conclusively. Therefore, this variant is classified as a Variant of Uncertain Significance.

Ambry Genetics
Classification: Uncertain significance for Familial thoracic aortic aneurysm and aortic dissection. Last evaluated: 2023-12-06. Review status: criteria provided, single submitter. Criteria: Ambry Variant Classification Scheme 2023. Collection method: clinical testing. Allele origin: germline.
Comment: The p.P127L variant (also known as c.380C>T), located in coding exon 2 of the MYH11 gene, results from a C to T substitution at nucleotide position 380. The proline at codon 127 is replaced by leucine, an amino acid with similar properties. This amino acid position is highly conserved in available vertebrate species. In addition, this alteration is predicted to be deleterious by in silico analysis. Since supporting evidence is limited at this time, the clinical significance of this alteration remains unclear.